The following is an entry in ClinVar:

ClinVar aggregate classification (germline): Uncertain significance (1 of 4 stars; one submission).

Conditions:
Hereditary pancreatitis (PCTT). Also called: Hereditary chronic pancreatitis; PRSS1-Related Hereditary Pancreatitis. Identifiers: Orphanet 676, MedGen C0238339, MONDO:0008185, OMIM 167800.

Allele frequency attached by ClinVar (database versions not stated): ExAC 0.00001; gnomAD 0.00001; gnomAD exomes 0.00001; TOPMed 0.00001.
gnomAD v4.1: 11 of 1,613,986 alleles (0.00068%); highest among the groups gnomAD compares: Middle Eastern, 0.033%; no homozygotes.

Submission:

Ambry Genetics
Classification: Uncertain significance for Hereditary pancreatitis. Last evaluated: 2024-04-22. Review status: criteria provided, single submitter. Criteria: Ambry Variant Classification Scheme 2023. Collection method: clinical testing. Allele origin: germline.
Comment: The p.T274A variant (also known as c.820A>G), located in coding exon 8 of the CPA1 gene, results from an A to G substitution at nucleotide position 820. The threonine at codon 274 is replaced by alanine, an amino acid with similar properties. This amino acid position is well conserved in available vertebrate species. In addition, this alteration is predicted to be tolerated by in silico analysis. Since supporting evidence is limited at this time, the clinical significance of this alteration remains unclear.

NM_001868.4(CPA1):c.820A>G (p.Thr274Ala)

Gene: CPA1 (carboxypeptidase A1; plus strand). Cytogenetic location: 7q32.2.
Variant type: single nucleotide variant.
Coding change: c.820A>G on transcript NM_001868.4 (MANE Select); coding-DNA position 820, A replaced by G.
Protein change: p.Thr274Ala; replaces threonine 274 with alanine.
Molecular consequence: missense variant.
Genome position (GRCh38, 1-based): chr7:130,385,178, A>G. VCF-style: chr7-130385178-A-G. GRCh37 (hg19) VCF-style: chr7-130025019-A-G.
Other names: short protein forms T274A.
Identifiers: ClinVar variation 827506 (VCV000827506.5), dbSNP rs781990114, ClinGen allele CA4484967.